The following is an entry in ClinVar:

NM_015346.4(ZFYVE26):c.412G>A (p.Gly138Arg)

Gene: ZFYVE26 (zinc finger FYVE-type containing 26; minus strand). Cytogenetic location: 14q24.1.
Variant type: single nucleotide variant.
Coding change: c.412G>A on transcript NM_015346.4 (MANE Select); coding-DNA position 412, G replaced by A.
Protein change: p.Gly138Arg; replaces glycine 138 with arginine.
Molecular consequence: missense variant.
Genome position (GRCh38, 1-based): chr14:67,807,872, C>T on the plus strand (G>A on the coding strand, the complement: ZFYVE26 is on the minus strand). VCF-style: chr14-67807872-C-T. GRCh37 (hg19) VCF-style: chr14-68274589-C-T.
Other names: short protein forms G138R.
Identifiers: ClinVar variation 1907282 (VCV001907282.2), dbSNP rs749296595, ClinGen allele CA7240787.
Genomic context (GRCh38, chr14:67,807,872, plus strand): 5'-AGAGCACAGAGACAGCTTCGGAGCTGAGACGAGGAGTCCAGCTCTCCCTCCTTGGATTTC[C>T]GTCAGGCACGTGGCCTACTGCACCCTGTGTTAAGGTCTCATACAGCTCCTAAATAGAGGA-3'
Protein context (NP_056161.2, residues 128-148): TQGAVGHVPD[Gly138Arg]NPRRESWTPR

ClinVar aggregate classification (germline): Uncertain significance (1 of 4 stars; one submission).

Conditions:
Spastic paraplegia. Identifiers: MedGen C0037772, HP:0001258.

Allele frequency attached by ClinVar (database versions not stated): gnomAD exomes 0.00001; ExAC 0.00002; TOPMed 0.00002.
gnomAD v4.1: 10 of 1,613,946 alleles (0.00062%); highest among the groups gnomAD compares: South Asian, 0.0022%; no homozygotes.

Submission:

Labcorp Genetics (formerly Invitae), Labcorp
Classification: Uncertain significance for Spastic paraplegia. Last evaluated: 2022-08-06. Review status: criteria provided, single submitter. Criteria: Invitae Variant Classification Sherloc (09022015). Collection method: clinical testing. Allele origin: germline.
Comment: This sequence change replaces glycine, which is neutral and non-polar, with arginine, which is basic and polar, at codon 138 of the ZFYVE26 protein (p.Gly138Arg). This variant is present in population databases (rs749296595, gnomAD 0.003%). This variant has not been reported in the literature in individuals affected with ZFYVE26-related conditions. Algorithms developed to predict the effect of missense changes on protein structure and function output the following: SIFT: "Tolerated"; PolyPhen-2: "Benign"; Align-GVGD: "Class C0". The arginine amino acid residue is found in multiple mammalian species, which suggests that this missense change does not adversely affect protein function. Algorithms developed to predict the effect of sequence changes on RNA splicing suggest that this variant may create or strengthen a splice site. In summary, the available evidence is currently insufficient to determine the role of this variant in disease. Therefore, it has been classified as a Variant of Uncertain Significance.